The following is an entry in ClinVar:

NM_152419.3(HGSNAT):c.1174C>T (p.Gln392Ter)

Gene: HGSNAT (heparan-alpha-glucosaminide N-acetyltransferase; plus strand). Cytogenetic location: 8p11.21.
Variant type: single nucleotide variant.
Coding change: c.1174C>T on transcript NM_152419.3 (MANE Select); coding-DNA position 1174, C replaced by T.
Protein change: p.Gln392Ter; replaces glutamine 392 with a stop codon.
Molecular consequence: nonsense.
Genome position (GRCh38, 1-based): chr8:43,191,519, C>T. VCF-style: chr8-43191519-C-T. GRCh37 (hg19) VCF-style: chr8-43046662-C-T.
Other names: c.1174C>T, p.Gln392Ter (NM_001363227.2); c.982C>T, p.Gln328Ter (NM_001363228.2); c.310C>T, p.Gln104Ter (NM_001363229.2); short protein forms Q104*, Q328*, Q392*.
Identifiers: ClinVar variation 837469 (VCV000837469.6), dbSNP rs1804527418, ClinGen allele CA371119055.
Genomic context (GRCh38, chr8:43,191,519, plus strand): 5'-TCTGCCCCCACTCAGGAGAGGAGCTGCCTTTCTCTTCGAGACATCACGTCCAGCTGGCCC[C>T]AGTGGCTGCTCATCCTGGTGCTGGAAGGCCTGTGGCTGGGCTTGACATTCCTCCTGCCAG-3'

ClinVar aggregate classification (germline): Pathogenic (1 of 4 stars; one submission).

Conditions:
Retinitis pigmentosa 73 (RP73). Identifiers: Orphanet 791, MedGen C4225287, MONDO:0014687, OMIM 616544.
Mucopolysaccharidosis, MPS-III-C (MPS3C). Also called: SANFILIPPO SYNDROME C; mucopolysaccharidosis type 3C; Mucopolysaccharidosis type IIIC (Sanfilippo C); MPS IIIC (Sanfilippo Syndrome Type C); MUCOPOLYSACCHARIDOSIS, TYPE IIIC; MPS III C. Identifiers: Orphanet 581, Orphanet 79271, MedGen C0086649, MONDO:0009657, OMIM 252930.

Submission:

Labcorp Genetics (formerly Invitae), Labcorp
Classification: Pathogenic for Retinitis pigmentosa 73; Mucopolysaccharidosis, MPS-III-C. Last evaluated: 2019-11-18. Review status: criteria provided, single submitter. Criteria: Invitae Variant Classification Sherloc (09022015). Collection method: clinical testing. Allele origin: germline.
Comment: This sequence change creates a premature translational stop signal (p.Gln392*) in the HGSNAT gene. It is expected to result in an absent or disrupted protein product. For these reasons, this variant has been classified as Pathogenic. Loss-of-function variants in HGSNAT are known to be pathogenic (PMID: 17033958, 19479962). This variant has not been reported in the literature in individuals with HGSNAT-related conditions. This variant is not present in population databases (ExAC no frequency).

Literature cited by the submitters: PubMed 17033958; PubMed 19479962.